The following is an entry in ClinVar:

NM_015559.3(SETBP1):c.1915G>A (p.Glu639Lys)

Gene: SETBP1 (SET binding protein 1; plus strand). Cytogenetic location: 18q12.3.
Variant type: single nucleotide variant.
Coding change: c.1915G>A on transcript NM_015559.3 (MANE Select); coding-DNA position 1915, G replaced by A.
Protein change: p.Glu639Lys; replaces glutamic acid 639 with lysine.
Molecular consequence: missense variant.
Genome position (GRCh38, 1-based): chr18:44,951,255, G>A. VCF-style: chr18-44951255-G-A. GRCh37 (hg19) VCF-style: chr18-42531220-G-A.
Other names: c.1915G>A, p.Glu639Lys (NM_001379141.1, NM_001379142.1, NM_001410862.1); short protein forms E639K.
Identifiers: ClinVar variation 2821173 (VCV002821173.3), dbSNP rs2511469729, ClinGen allele CA402319896.
Genomic context (GRCh38, chr18:44,951,255, plus strand): 5'-GGCACTAAGAAAAGAAAGCGACGACGCAATTTAGCGAAGTTGGCCCAGCTAGTGCCGGGA[G>A]AGGACAAACCCATGAGCGAGATGAAATTTCACAAGAAAGTTGGAAAGCTCGGCGTGTTGG-3'
Protein context (NP_056374.2, residues 629-649): LAKLAQLVPG[Glu639Lys]DKPMSEMKFH

ClinVar aggregate classification (germline): Uncertain significance (1 of 4 stars; one submission).

Allele frequency attached by ClinVar (database versions not stated): gnomAD exomes below 0.00001.
gnomAD v4.1: 1 of 1,614,024 alleles (0.000062%); highest among the groups gnomAD compares: Non-Finnish European, 0.000085%; no homozygotes.

Submission:

Labcorp Genetics (formerly Invitae), Labcorp
Classification: Uncertain significance. Last evaluated: 2025-04-10. Review status: criteria provided, single submitter. Criteria: Invitae Variant Classification Sherloc (09022015). Collection method: clinical testing. Allele origin: germline.
Comment: This sequence change replaces glutamic acid, which is acidic and polar, with lysine, which is basic and polar, at codon 639 of the SETBP1 protein (p.Glu639Lys). This variant is not present in population databases (gnomAD no frequency). This variant has not been reported in the literature in individuals affected with SETBP1-related conditions. ClinVar contains an entry for this variant (Variation ID: 2821173). Invitae Evidence Modeling of protein sequence and biophysical properties (such as structural, functional, and spatial information, amino acid conservation, physicochemical variation, residue mobility, and thermodynamic stability) indicates that this missense variant is not expected to disrupt SETBP1 protein function with a negative predictive value of 80%. In summary, the available evidence is currently insufficient to determine the role of this variant in disease. Therefore, it has been classified as a Variant of Uncertain Significance.